The following is an entry in ClinVar:

ClinVar aggregate classification (germline): Benign. Review status: criteria provided, multiple submitters, no conflicts (2 of 4 stars). 2 submissions from 2 submitters: Benign (2). Last evaluated 2018-06-14.

Allele frequency attached by ClinVar (database versions not stated): 1000 Genomes Project 30x 0.12305; 1000 Genomes Project 0.12680; TOPMed 0.16298; gnomAD 0.16400 and 0.16497.
gnomAD v4.1: 25,111 of 152,194 alleles (16%); highest among the groups gnomAD compares: Non-Finnish European, 22%; 2,419 homozygotes.

Submissions (2):

GeneDx
Classification: Benign. Last evaluated: 2018-06-14. Review status: criteria provided, single submitter. Criteria: GeneDx Variant Classification (06012015). Collection method: clinical testing. Allele origin: germline. Affected: yes.
Comment: This variant is considered likely benign or benign based on one or more of the following criteria: it is a conservative change, it occurs at a poorly conserved position in the protein, it is predicted to be benign by multiple in silico algorithms, and/or has population frequency not consistent with disease.

Breakthrough Genomics
Classification: Benign. Review status: criteria provided, single submitter. Criteria: ACMG Guidelines, 2015. Collection method: not provided. Allele origin: germline. Inheritance: Autosomal dominant inheritance. Affected: yes.

NM_020822.3(KCNT1):c.2009-222G>A

Gene: KCNT1 (potassium sodium-activated channel subfamily T member 1; plus strand). Cytogenetic location: 9q34.3.
Variant type: single nucleotide variant.
Coding change: c.2009-222G>A on transcript NM_020822.3 (MANE Select); 222 bases into the intron before coding-DNA position 2009, G replaced by A.
Molecular consequence: intron variant.
Genome position (GRCh38, 1-based): chr9:135,772,493, G>A. VCF-style: chr9-135772493-G-A. GRCh37 (hg19) VCF-style: chr9-138664339-G-A.
Other names: c.1874-222G>A (NM_001272003.2).
Identifiers: ClinVar variation 682426 (VCV000682426.2), dbSNP rs56068722, ClinGen allele CA13003896.
Genomic context (GRCh38, chr9:135,772,493, plus strand): 5'-CTCAGGCATCTGGTGCTGAGGCCACAGCAGCTGGCCTGGGTGGCACCGATGGGGCACTGG[G>A]GCCCCCTGGGTCTTCGCTCAACATCATCGCCACCCCAGAGGCCACTGTCCCTGTTGTATG-3'